The following is an entry in ClinVar:

NM_014629.4(ARHGEF10):c.680-13T>A

Gene: ARHGEF10 (Rho guanine nucleotide exchange factor 10; plus strand). Cytogenetic location: 8p23.3.
Variant type: single nucleotide variant.
Coding change: c.680-13T>A on transcript NM_014629.4 (MANE Select); 13 bases into the intron before coding-DNA position 680, T replaced by A.
Molecular consequence: intron variant.
Genome position (GRCh38, 1-based): chr8:1,876,558, T>A. VCF-style: chr8-1876558-T-A. GRCh37 (hg19) VCF-style: chr8-1824724-T-A.
Other names: c.683-13T>A (NM_001438092.1, NM_001438091.1, NM_001308152.2 and 2 more transcripts); c.680-13T>A (NM_001438093.1).
Identifiers: ClinVar variation 1966333 (VCV001966333.5), dbSNP rs780286818, ClinGen allele CA4599992.

ClinVar aggregate classification (germline): Uncertain significance (1 of 4 stars; one submission).

Allele frequency attached by ClinVar (database versions not stated): TOPMed below 0.00001; ExAC 0.00001; gnomAD exomes 0.00001.

Submission:

Labcorp Genetics (formerly Invitae), Labcorp
Classification: Uncertain significance. Last evaluated: 2022-06-24. Review status: criteria provided, single submitter. Criteria: Invitae Variant Classification Sherloc (09022015). Collection method: clinical testing. Allele origin: germline.
Comment: This variant has not been reported in the literature in individuals affected with ARHGEF10-related conditions. This variant is present in population databases (rs780286818, gnomAD 0.0009%). This sequence change falls in intron 7 of the ARHGEF10 gene. It does not directly change the encoded amino acid sequence of the ARHGEF10 protein. In summary, the available evidence is currently insufficient to determine the role of this variant in disease. Therefore, it has been classified as a Variant of Uncertain Significance. Algorithms developed to predict the effect of sequence changes on RNA splicing suggest that this variant may disrupt the consensus splice site.